The following is an entry in ClinVar:

NM_017654.4(SAMD9):c.762T>A (p.Asn254Lys)

Gene: SAMD9 (sterile alpha motif domain containing 9; minus strand). Cytogenetic location: 7q21.2.
Variant type: single nucleotide variant.
Coding change: c.762T>A on transcript NM_017654.4 (MANE Select); coding-DNA position 762, T replaced by A.
Protein change: p.Asn254Lys; replaces asparagine 254 with lysine.
Molecular consequence: missense variant.
Genome position (GRCh38, 1-based): chr7:93,105,336, A>T on the plus strand (T>A on the coding strand, the complement: SAMD9 is on the minus strand). VCF-style: chr7-93105336-A-T. GRCh37 (hg19) VCF-style: chr7-92734649-A-T.
Other names: c.762T>A, p.Asn254Lys (NM_001193307.2); c.762T>A (NM_017654.3); short protein forms N254K.
Identifiers: ClinVar variation 2771807 (VCV002771807.4), dbSNP rs2535362061, ClinGen allele CA368203891.

ClinVar aggregate classification (germline): Uncertain significance. Review status: criteria provided, multiple submitters, no conflicts (2 of 4 stars). 2 submissions from 2 submitters: Uncertain significance (2). Last evaluated 2025-01-21.

Conditions:
Inborn genetic diseases. Identifiers: MedGen C0950123, MeSH D030342.

Submissions (2):

Ambry Genetics
Classification: Uncertain significance for Inborn genetic diseases. Last evaluated: 2025-01-21. Review status: criteria provided, single submitter. Criteria: Ambry Variant Classification Scheme 2023. Collection method: clinical testing. Allele origin: germline.
Comment: The p.N254K variant (also known as c.762T>A), located in coding exon 1 of the SAMD9 gene, results from a T to A substitution at nucleotide position 762. The asparagine at codon 254 is replaced by lysine, an amino acid with similar properties. This amino acid position is conserved. In addition, this alteration is predicted to be tolerated by in silico analysis. Based on the available evidence, the clinical significance of this variant remains unclear.

Labcorp Genetics (formerly Invitae), Labcorp
Classification: Uncertain significance. Last evaluated: 2023-11-02. Review status: criteria provided, single submitter. Criteria: Invitae Variant Classification Sherloc (09022015). Collection method: clinical testing. Allele origin: germline.
Comment: This sequence change replaces asparagine, which is neutral and polar, with lysine, which is basic and polar, at codon 254 of the SAMD9 protein (p.Asn254Lys). This variant is not present in population databases (gnomAD no frequency). This variant has not been reported in the literature in individuals affected with SAMD9-related conditions. Advanced modeling of protein sequence and biophysical properties (such as structural, functional, and spatial information, amino acid conservation, physicochemical variation, residue mobility, and thermodynamic stability) performed at Invitae indicates that this missense variant is not expected to disrupt SAMD9 protein function with a negative predictive value of 95%. In summary, the available evidence is currently insufficient to determine the role of this variant in disease. Therefore, it has been classified as a Variant of Uncertain Significance.